The following is an entry in ClinVar:

ClinVar aggregate classification (germline): Pathogenic. Review status: criteria provided, single submitter (1 of 4 stars). 3 submissions from 3 submitters: Pathogenic (1). 2 of the submissions do not count toward it. Last evaluated 2022-02-10.

Conditions:
Anauxetic dysplasia. Identifiers: Orphanet 93347, MedGen C1846796, MONDO:0011773.
Metaphyseal chondrodysplasia, McKusick type (CHH). Also called: Cartilage-hair hypoplasia; Cartilage-Hair Hypoplasia (CHH). Identifiers: Orphanet 175, MedGen C0220748, MONDO:0009595, OMIM 250250.

Allele frequency attached by ClinVar (database versions not stated): gnomAD exomes 0.00001.

Submissions (3):

Labcorp Genetics (formerly Invitae), Labcorp
Classification: Pathogenic for Anauxetic dysplasia. Last evaluated: 2022-02-10. Review status: criteria provided, single submitter. Criteria: Invitae Variant Classification Sherloc (09022015). Collection method: clinical testing. Allele origin: germline.
Comment: For these reasons, this variant has been classified as Pathogenic. This variant occurs in the RMRP gene, which encodes an RNA molecule that does not result in a protein product. This variant is not present in population databases (gnomAD no frequency). While this particular variant has not been reported in the literature, it is located in the promoter region between the TATA box and the transcription initiation site, and other insertions and duplications immediately upstream of the coding sequence have been reported in individuals affected with cartilage-hair hypoplasia-anauxetic dysplasia (CHH-AD) spectrum disorders (PMID: 16244706, 11207361, 12107819). While functional studies for this variant have not been reported, experimental analyses using patient derived cells, as well as in vitro transfection studies, have shown that promoter insertions result in silencing of RMRP transcription and reduced expression of the gene product (PMID: 11207361, 16254002).

Natera, Inc.
Classification: Likely pathogenic for Cartilage-hair hypoplasia. Last evaluated: 2021-07-28. Review status: no assertion criteria provided. Collection method: clinical testing. Allele origin: germline. Not counted in ClinVar's aggregate classification.

Counsyl
Classification: Likely pathogenic for Metaphyseal chondrodysplasia, McKusick type. Last evaluated: 2018-03-02. Review status: no assertion criteria provided. Collection method: clinical testing. Allele origin: unknown. Not counted in ClinVar's aggregate classification.

Literature cited by the submitters: PubMed 16244706 (cited by Labcorp Genetics (formerly Invitae), Labcorp); PubMed 11207361 (cited by Labcorp Genetics (formerly Invitae), Labcorp); PubMed 12107819 (cited by Labcorp Genetics (formerly Invitae), Labcorp); PubMed 16254002 (cited by Labcorp Genetics (formerly Invitae), Labcorp).

NR_003051.3(RMRP):n.-20_-3dup

Gene: RMRP (RNA component of mitochondrial RNA processing endoribonuclease; minus strand). Cytogenetic location: 9p13.3.
Variant type: Duplication.
Genome position: GRCh38 VCF-style: chr9-35658020-C-CGTCCTCAGCTTCACAGAG. GRCh37 (hg19) VCF-style: chr9-35658017-C-CGTCCTCAGCTTCACAGAG.
Identifiers: ClinVar variation 557000 (VCV000557000.13), dbSNP rs1554651418, ClinGen allele CA658821596.
Genomic context (GRCh38, chr9:35,658,020, plus strand): 5'-AAAGGGGAGGAACAGAGTCCTCAGTGTGTAGCCTAGGATACAGGCCTTCAGCACGAACCA[C>CGTCCTCAGCTTCACAGAG]GTCCTCAGCTTCACAGAGTAGTATTTTATAGCCCTAAAGAAATTGTGTTTTATGATTAGG-3'